The following is an entry in ClinVar:

NM_015443.4(KANSL1):c.1450G>A (p.Glu484Lys)

Gene: KANSL1 (KAT8 regulatory NSL complex subunit 1). Cytogenetic location: 17q21.31.
Variant type: single nucleotide variant.
Coding change: c.1450G>A on transcript NM_015443.4 (MANE Select); coding-DNA position 1450, G replaced by A.
Protein change: p.Glu484Lys; replaces glutamic acid 484 with lysine.
Molecular consequence: missense variant.
Genome position (GRCh38, 1-based): chr17:46,082,524, C>T on the plus strand (G>A on the coding strand, the complement: KANSL1 is on the minus strand). VCF-style: chr17-46082524-C-T. GRCh37 (hg19) VCF-style: chr17-44159890-C-T.
Other names: c.1450G>A, p.Glu484Lys (NM_001193465.2, NM_001193466.2, NM_001379198.1); short protein forms E484K.
Identifiers: ClinVar variation 1353134 (VCV001353134.8), dbSNP rs1173584837, ClinGen allele CA399993397.

ClinVar aggregate classification (germline): Uncertain significance (1 of 4 stars; one submission).

Conditions:
Koolen-de Vries syndrome (KDVS). Identifiers: Orphanet 96169, MedGen C1864871, MONDO:0012496, OMIM 610443.

Allele frequency attached by ClinVar (database versions not stated): TOPMed 0.00002.

Submission:

Labcorp Genetics (formerly Invitae), Labcorp
Classification: Uncertain significance for Koolen-de Vries syndrome. Last evaluated: 2025-04-14. Review status: criteria provided, single submitter. Criteria: Invitae Variant Classification Sherloc (09022015). Collection method: clinical testing. Allele origin: germline.
Comment: This sequence change replaces glutamic acid, which is acidic and polar, with lysine, which is basic and polar, at codon 484 of the KANSL1 protein (p.Glu484Lys). This variant is not present in population databases (gnomAD no frequency). This variant has not been reported in the literature in individuals affected with KANSL1-related conditions. ClinVar contains an entry for this variant (Variation ID: 1353134). Invitae Evidence Modeling of protein sequence and biophysical properties (such as structural, functional, and spatial information, amino acid conservation, physicochemical variation, residue mobility, and thermodynamic stability) indicates that this missense variant is not expected to disrupt KANSL1 protein function with a negative predictive value of 80%. In summary, the available evidence is currently insufficient to determine the role of this variant in disease. Therefore, it has been classified as a Variant of Uncertain Significance.